The following is an entry in ClinVar:

ClinVar aggregate classification (germline): Uncertain significance (1 of 4 stars; one submission).

Conditions:
Cardiovascular phenotype. Identifiers: MedGen CN230736.

Submission:

Ambry Genetics
Classification: Uncertain significance for Cardiovascular phenotype. Last evaluated: 2025-03-25. Review status: criteria provided, single submitter. Criteria: Ambry Variant Classification Scheme 2023. Collection method: clinical testing. Allele origin: germline.
Comment: The p.D464Y variant (also known as c.1390G>T), located in coding exon 10 of the DSC2 gene, results from a G to T substitution at nucleotide position 1390. The aspartic acid at codon 464 is replaced by tyrosine, an amino acid with highly dissimilar properties. This amino acid position is conserved. In addition, this alteration is predicted to be tolerated by in silico analysis. Based on the available evidence, the clinical significance of this variant remains unclear.

NM_024422.6(DSC2):c.1390G>T (p.Asp464Tyr)

Gene: DSC2 (desmocollin 2; minus strand). Cytogenetic location: 18q12.1.
Variant type: single nucleotide variant.
Coding change: c.1390G>T on transcript NM_024422.6 (MANE Select); coding-DNA position 1390, G replaced by T.
Protein change: p.Asp464Tyr; replaces aspartic acid 464 with tyrosine.
Molecular consequence: missense variant.
Genome position (GRCh38, 1-based): chr18:31,080,226, C>A on the plus strand (G>T on the coding strand, the complement: DSC2 is on the minus strand). VCF-style: chr18-31080226-C-A. GRCh37 (hg19) VCF-style: chr18-28660192-C-A.
Other names: c.961G>T, p.Asp321Tyr (NM_001406506.1, NM_001406507.1); c.1390G>T, p.Asp464Tyr (NM_004949.5); short protein forms D464Y, D321Y.
Identifiers: ClinVar variation 3273791 (VCV003273791.2).
Genomic context (GRCh38, chr18:31,080,226, plus strand): 5'-CATTTTCTTTCATGCGAACAGTCTGTATTGGAGGGTTACACTCAGGGCCCTCATCCTGAT[C>A]TTCTACATTAACAGTAACTGTTGCTGTGCTCATGGCTGATCTTGGACTAGCCTCTCTGGA-3'
Protein context (NP_077740.1, residues 454-474): STATVTVNVE[Asp464Tyr]QDEGPECNPP